The following is an entry in ClinVar:

NM_001134363.3(RBM20):c.539C>A (p.Pro180His)

Gene: RBM20 (RNA binding motif protein 20; plus strand). Cytogenetic location: 10q25.2.
Variant type: single nucleotide variant.
Coding change: c.539C>A on transcript NM_001134363.3 (MANE Select); coding-DNA position 539, C replaced by A.
Protein change: p.Pro180His; replaces proline 180 with histidine.
Molecular consequence: missense variant.
Genome position (GRCh38, 1-based): chr10:110,781,148, C>A. VCF-style: chr10-110781148-C-A. GRCh37 (hg19) VCF-style: chr10-112540906-C-A.
Other names: short protein forms P180H.
Identifiers: ClinVar variation 2301904 (VCV002301904.5), dbSNP rs1844337306, ClinGen allele CA378381077.

ClinVar aggregate classification (germline): Uncertain significance. Review status: criteria provided, multiple submitters, no conflicts (2 of 4 stars). 3 submissions from 3 submitters: Uncertain significance (3). Last evaluated 2024-03-16.

Conditions:
Cardiovascular phenotype. Identifiers: MedGen CN230736.
Dilated cardiomyopathy 1DD (CMD1DD). Identifiers: Orphanet 154, MedGen C2750995, MONDO:0013168, OMIM 613172.

Allele frequency attached by ClinVar (database versions not stated): gnomAD exomes 0.00001.
gnomAD v4.1: 15 of 1,551,708 alleles (0.00097%); highest among the groups gnomAD compares: Non-Finnish European, 0.0013%; no homozygotes.

Submissions (3):

Labcorp Genetics (formerly Invitae), Labcorp
Classification: Uncertain significance for Dilated cardiomyopathy 1DD. Last evaluated: 2024-03-16. Review status: criteria provided, single submitter. Criteria: Invitae Variant Classification Sherloc (09022015). Collection method: clinical testing. Allele origin: germline.
Comment: This sequence change replaces proline, which is neutral and non-polar, with histidine, which is basic and polar, at codon 180 of the RBM20 protein (p.Pro180His). This variant is not present in population databases (gnomAD no frequency). This variant has not been reported in the literature in individuals affected with RBM20-related conditions. ClinVar contains an entry for this variant (Variation ID: 2301904). Advanced modeling of protein sequence and biophysical properties (such as structural, functional, and spatial information, amino acid conservation, physicochemical variation, residue mobility, and thermodynamic stability) performed at Invitae indicates that this missense variant is not expected to disrupt RBM20 protein function with a negative predictive value of 95%. In summary, the available evidence is currently insufficient to determine the role of this variant in disease. Therefore, it has been classified as a Variant of Uncertain Significance.

Blueprint Genetics
Classification: Uncertain significance. Last evaluated: 2023-09-21. Review status: criteria provided, single submitter. Criteria: ACMG Guidelines, 2015. Collection method: clinical testing. Allele origin: germline.

Ambry Genetics
Classification: Uncertain significance for Cardiovascular phenotype. Last evaluated: 2022-07-14. Review status: criteria provided, single submitter. Criteria: Ambry Variant Classification Scheme 2023. Collection method: clinical testing. Allele origin: germline.